The following is an entry in ClinVar:

NM_004933.3(CDH15):c.2095del (p.Gln699fs)

Gene: CDH15 (cadherin 15; plus strand). Cytogenetic location: 16q24.3.
Variant type: Deletion.
Coding change: c.2095del on transcript NM_004933.3 (MANE Select); coding-DNA position 2095, one base deleted (C; older notation c.2095delC).
Protein change: p.Gln699fs; shifts the reading frame from glutamine 699.
Molecular consequence: frameshift variant.
Genome position (GRCh38, 1-based): chr16:89,193,857, C deleted; the last of 5 consecutive C bases (chr16:89,193,853-89,193,857); deleting any one gives the same sequence. VCF-style (leftmost placement, unchanged base first): chr16-89193852-AC-A. GRCh37 (hg19) VCF-style: chr16-89260260-AC-A.
Other names: short protein forms Q699fs.
Identifiers: ClinVar variation 3391399 (VCV003391399.1).

ClinVar aggregate classification (germline): Uncertain significance (1 of 4 stars; one submission).

Conditions:
Intellectual developmental disorder, autosomal dominant 3. Also called: Intellectual disability, autosomal dominant 3. Identifiers: MedGen C2675488, MONDO:0012946, OMIM 612580.

Submission:

Neuberg Centre For Genomic Medicine, NCGM
Classification: Uncertain significance for Intellectual developmental disorder, autosomal dominant 3. Last evaluated: 2023-06-22. Review status: criteria provided, single submitter. Criteria: ACMG Guidelines, 2015. Collection method: clinical testing. Allele origin: germline. Inheritance: Autosomal dominant inheritance. Affected: yes.
Comment: The frameshift variant c.2095delp.Gln699SerfsTer51 in the CDH15 gene has not been reported previously as a pathogenic variant nor as a benign variant, to our knowledge. The variant is absent in the gnomAD Exomes. This variant causes a frameshift starting with codon Glutamine 699, changes this amino acid to Serine residue, and creates a premature Stop codon at position 51 of the new reading frame. This variant is predicted to cause loss of normal protein function through protein truncation. Pathogenic/Likely pathogenic loss of function variants has not been previously reported to be disease causing. For these reasons, this variant has been classified as Uncertain Significance.